The following is an entry in ClinVar:

ClinVar aggregate classification (germline): Uncertain significance (1 of 4 stars; one submission).

Submission:

GeneDx
Classification: Uncertain significance. Last evaluated: 2023-12-19. Review status: criteria provided, single submitter. Criteria: GeneDx Variant Classification Process June 2021. Collection method: clinical testing. Allele origin: germline. Affected: yes.
Comment: Not observed at significant frequency in large population cohorts (gnomAD); In silico analysis supports that this missense variant has a deleterious effect on protein structure/function; Has not been previously published as pathogenic or benign to our knowledge

NM_001171.6(ABCC6):c.2513A>C (p.Gln838Pro)

Gene: ABCC6 (ATP binding cassette subfamily C member 6; minus strand). Cytogenetic location: 16p13.11.
Variant type: single nucleotide variant.
Coding change: c.2513A>C on transcript NM_001171.6 (MANE Select); coding-DNA position 2513, A replaced by C.
Protein change: p.Gln838Pro; replaces glutamine 838 with proline.
Molecular consequence: missense variant.
Genome position (GRCh38, 1-based): chr16:16,177,529, T>G on the plus strand (A>C on the coding strand, the complement: ABCC6 is on the minus strand). VCF-style: chr16-16177529-T-G. GRCh37 (hg19) VCF-style: chr16-16271386-T-G.
Other names: c.2171A>C, p.Gln724Pro (NM_001351800.1); short protein forms Q724P, Q838P.
Identifiers: ClinVar variation 3365961 (VCV003365961.1).
Genomic context (GRCh38, chr16:16,177,529, plus strand): 5'-CCTGGCTGTCTGGCTTGATCCAGAAGACACATGAGGGCCCCCTTCCTCTGCAGAAGCTCC[T>G]GGTAGGAACCCATCTCTGCGATGGCCCCATTTGCCAGCACTATGATCCAATCAGCCTGGG-3'
Protein context (NP_001162.5, residues 828-848): NGAIAEMGSY[Gln838Pro]ELLQRKGALM